The following is an entry in ClinVar:

ClinVar aggregate classification (germline): Pathogenic (1 of 4 stars; one submission).

Conditions:
Developmental and epileptic encephalopathy, 42 (DEE42A). Also called: DEVELOPMENTAL AND EPILEPTIC ENCEPHALOPATHY 42A; EPILEPTIC ENCEPHALOPATHY, EARLY INFANTILE, 42A; Epileptic encephalopathy, early infantile, 42. Identifiers: MedGen C4310716, MONDO:0014917, OMIM 617106.

Submission:

Institute of Human Genetics, University of Leipzig Medical Center
Classification: Pathogenic for Developmental and epileptic encephalopathy, 42. Last evaluated: 2024-06-17. Review status: criteria provided, single submitter. Criteria: ACMG Guidelines, 2015. Collection method: clinical testing. Allele origin: unknown. Inheritance: Autosomal dominant inheritance. Affected: yes.
Comment: Criteria applied: PVS1,PM2_MOD

NM_001127222.2(CACNA1A):c.3437del (p.Val1146fs)

Gene: CACNA1A (calcium voltage-gated channel subunit alpha1 A; minus strand). Cytogenetic location: 19p13.13.
Variant type: Deletion.
Coding change: c.3437del on transcript NM_001127222.2 (MANE Select); coding-DNA position 3437, one base deleted (T; older notation c.3437delT).
Protein change: p.Val1146fs; shifts the reading frame from valine 1146.
Molecular consequence: frameshift variant.
Genome position (GRCh38, 1-based): chr19:13,286,619, A deleted on the plus strand (T on the coding strand, the reverse complement: CACNA1A is on the minus strand). VCF-style (leftmost placement, unchanged base first): chr19-13286618-GA-G. GRCh37 (hg19) VCF-style: chr19-13397432-GA-G.
Other names: c.3449del, p.Val1150fs (NM_000068.4, NM_023035.3); c.3440del, p.Val1147fs (NM_001127221.2, NM_001174080.2); short protein forms V1146fs, V1147fs, V1150fs.
Identifiers: ClinVar variation 3358974 (VCV003358974.2).